The following is an entry in ClinVar:

ClinVar aggregate classification (germline): Conflicting classifications of pathogenicity. Review status: criteria provided, conflicting classifications (1 of 4 stars). 7 submissions from 7 submitters: Uncertain significance (1); Benign (1); Likely benign (5). Last evaluated 2026-08-01.

Conditions:
Inborn genetic diseases. Identifiers: MedGen C0950123, MeSH D030342.
Diabetes mellitus, transient neonatal, 2 (TNDM2). Identifiers: Orphanet 99886, MedGen C1835887, MONDO:0012480, OMIM 610374. Disease mechanism: loss of function.

Allele frequency attached by ClinVar (database versions not stated): 1000 Genomes Project 30x 0.00016; ExAC 0.00016; gnomAD 0.00016 and 0.00017; gnomAD exomes 0.00017 and 0.00033; TOPMed 0.00017; 1000 Genomes Project 0.00020; ESP Exome Variant Server 0.00031.
gnomAD v4.1: 491 of 1,614,182 alleles (0.03%); highest among the groups gnomAD compares: Non-Finnish European, 0.04%; no homozygotes.

Submissions (7):

CeGaT Center for Human Genetics Tuebingen
Classification: Likely benign. Last evaluated: 2026-08-01. Review status: criteria provided, single submitter. Criteria: CeGaT Center For Human Genetics Tuebingen Variant Classification Criteria Version 2. Collection method: clinical testing. Allele origin: germline. Affected: yes. Observed: 2 variant alleles.
Comment: ABCC8: BP4, BP7

Labcorp Genetics (formerly Invitae), Labcorp
Classification: Likely benign. Last evaluated: 2026-01-22. Review status: criteria provided, single submitter. Criteria: Invitae Variant Classification Sherloc (09022015). Collection method: clinical testing. Allele origin: germline.

Blueprint Genetics
Classification: Uncertain significance. Last evaluated: 2024-11-25. Review status: criteria provided, single submitter. Criteria: ACMG Guidelines, 2015. Collection method: clinical testing. Allele origin: germline.

Ambry Genetics
Classification: Likely benign for Inborn genetic diseases. Last evaluated: 2023-11-29. Review status: criteria provided, single submitter. Criteria: Ambry Variant Classification Scheme 2023. Collection method: clinical testing. Allele origin: germline.

Genetic Services Laboratory, University of Chicago
Classification: Likely benign. Last evaluated: 2021-03-30. Review status: criteria provided, single submitter. Criteria: ACMG Guidelines, 2015. Collection method: clinical testing. Allele origin: germline. Affected: no.

Athena Diagnostics
Classification: Likely benign. Last evaluated: 2020-11-27. Review status: criteria provided, single submitter. Criteria: Athena Diagnostics criteria. Collection method: clinical testing. Allele origin: unknown.

Illumina Laboratory Services, Illumina
Classification: Benign for Diabetes mellitus, transient neonatal, 2. Last evaluated: 2018-01-12. Review status: criteria provided, single submitter. Criteria: ICSL Variant Classification Criteria 13 December 2019. Collection method: clinical testing. Allele origin: germline.
Comment: This variant was observed in the ICSL laboratory as part of a predisposition screen in an ostensibly healthy population. It had not been previously curated by ICSL or reported in the Human Gene Mutation Database (HGMD: prior to June 1st, 2018), and was therefore a candidate for classification through an automated scoring system. Utilizing variant allele frequency, disease prevalence and penetrance estimates, and inheritance mode, an automated score was calculated to assess if this variant is too frequent to cause the disease. Based on the score and internal cut-off values, a variant classified as benign is not then subjected to further curation. The score for this variant resulted in a classification of benign for this disease.

NM_000352.6(ABCC8):c.4431C>T (p.Gly1477=)

Gene: ABCC8 (ATP binding cassette subfamily C member 8; minus strand). Cytogenetic location: 11p15.1.
Variant type: single nucleotide variant.
Coding change: c.4431C>T on transcript NM_000352.6 (MANE Select); coding-DNA position 4431, C replaced by T.
Protein change: p.Gly1477=; no amino-acid change (glycine 1477 retained).
Molecular consequence: synonymous variant. On other transcripts: non-coding transcript variant (1).
Genome position (GRCh38, 1-based): chr11:17,394,380, G>A on the plus strand (C>T on the coding strand, the complement: ABCC8 is on the minus strand). VCF-style: chr11-17394380-G-A. GRCh37 (hg19) VCF-style: chr11-17415927-G-A.
Other names: c.4434C>T, p.Gly1478= (NM_001287174.3); c.4497C>T, p.Gly1499= (NM_001351295.2); c.4431C>T, p.Gly1477= (NM_001351296.2); c.4428C>T, p.Gly1476= (NM_001351297.2).
Identifiers: ClinVar variation 157703 (VCV000157703.48), dbSNP rs145673861, ClinGen allele CA270977.